The following is an entry in ClinVar:

ClinVar aggregate classification (germline): Conflicting classifications of pathogenicity. Review status: criteria provided, conflicting classifications (1 of 4 stars). 6 submissions from 6 submitters: Uncertain significance (4); Likely benign (2). Last evaluated 2025-04-17.

Conditions:
Hereditary cancer-predisposing syndrome. Also called: Tumor predisposition; Neoplastic Syndromes, Hereditary; Hereditary neoplastic syndrome; Hereditary Cancer Syndrome. Identifiers: Orphanet 140162, MedGen C0027672, MeSH D009386, MONDO:0015356.
Hereditary breast ovarian cancer syndrome. Also called: Hereditary breast and ovarian cancer; Hereditary breast and ovarian cancer syndrome (HBOC); Hereditary breast and ovarian cancer syndrome; BRCA1- and BRCA2-Associated Hereditary Breast and Ovarian Cancer; Breast and ovarian cancer; Hereditary breast and/or ovarian cancer syndrome. Identifiers: Orphanet 145, MedGen C0677776, MeSH D061325, MONDO:0003582. Disease mechanism: loss of function.
Breast-ovarian cancer, familial, susceptibility to, 2 (BROVCA2). Also called: BRCA2 Hereditary Breast and Ovarian Cancer. Identifiers: Orphanet 145, MedGen C2675520, MONDO:0012933, OMIM 612555. Disease mechanism: loss of function.

Submissions (6):

Labcorp Genetics (formerly Invitae), Labcorp
Classification: Uncertain significance for Hereditary breast ovarian cancer syndrome. Last evaluated: 2025-04-17. Review status: criteria provided, single submitter. Criteria: Invitae Variant Classification Sherloc (09022015). Collection method: clinical testing. Allele origin: germline.
Comment: This sequence change replaces glutamine, which is neutral and polar, with leucine, which is neutral and non-polar, at codon 1683 of the BRCA2 protein (p.Gln1683Leu). This variant is not present in population databases (gnomAD no frequency). This variant has not been reported in the literature in individuals affected with BRCA2-related conditions. ClinVar contains an entry for this variant (Variation ID: 142814). Invitae Evidence Modeling of protein sequence and biophysical properties (such as structural, functional, and spatial information, amino acid conservation, physicochemical variation, residue mobility, and thermodynamic stability) indicates that this missense variant is not expected to disrupt BRCA2 protein function with a negative predictive value of 95%. In summary, the available evidence is currently insufficient to determine the role of this variant in disease. Therefore, it has been classified as a Variant of Uncertain Significance.

Ambry Genetics
Classification: Uncertain significance for Hereditary cancer-predisposing syndrome. Last evaluated: 2025-03-24. Review status: criteria provided, single submitter. Criteria: Ambry Variant Classification Scheme 2023. Collection method: clinical testing. Allele origin: germline.
Comment: The p.Q1683L variant (also known as c.5048A>T), located in coding exon 10 of the BRCA2 gene, results from an A to T substitution at nucleotide position 5048. The glutamine at codon 1683 is replaced by leucine, an amino acid with dissimilar properties. This amino acid position is not well conserved in available vertebrate species. In addition, this alteration is predicted to be tolerated by in silico analysis. Based on the available evidence, the clinical significance of this variant remains unclear.

Myriad Genetics, Inc.
Classification: Likely benign for Breast-ovarian cancer, familial, susceptibility to, 2. Last evaluated: 2024-05-03. Review status: criteria provided, single submitter. Criteria: Myriad Autosomal Dominant, Autosomal Recessive and X-Linked Classification Criteria (2023). Collection method: clinical testing. Allele origin: unknown.
Comment: This variant is considered likely benign. This variant is strongly associated with less severe personal and family histories of cancer, typical for individuals without pathogenic variants in this gene [PMID: 25085752].

University of Washington Department of Laboratory Medicine, University of Washington
Classification: Likely benign for Hereditary cancer-predisposing syndrome. Last evaluated: 2023-03-23. Review status: criteria provided, single submitter. Criteria: Dines et al. (Genet Med. 2020). Collection method: curation. Allele origin: germline.
Comment: Missense variant in a coldspot region where missense variants are very unlikely to be pathogenic (PMID:31911673).

BRCA2 exon 11 coldspot. Reclassification based on statistical prior probability.

GeneDx
Classification: Uncertain significance. Last evaluated: 2020-01-21. Review status: criteria provided, single submitter. Criteria: GeneDx Variant Classification Process June 2021. Collection method: clinical testing. Allele origin: germline. Affected: yes.
Comment: Not observed in large population cohorts (Lek 2016); In silico analysis, which includes protein predictors and evolutionary conservation, supports a deleterious effect; Observed in 1/2809 of cancer free controls in published literature (Wen 2018); Also known as c.5276A>T; This variant is associated with the following publications: (PMID: 28993434)

Color Diagnostics, LLC DBA Color Health
Classification: Uncertain significance for Hereditary cancer-predisposing syndrome. Last evaluated: 2019-05-30. Review status: criteria provided, single submitter. Criteria: ACMG Guidelines, 2015. Collection method: clinical testing. Allele origin: germline.

Literature cited by the submitters: PubMed 28993434 (cited by Ambry Genetics); PubMed 29884841 (cited by Ambry Genetics); PubMed 25085752 (cited by Myriad Genetics, Inc.).

NM_000059.4(BRCA2):c.5048A>T (p.Gln1683Leu)

Gene: BRCA2 (BRCA2 DNA repair associated; plus strand). Cytogenetic location: 13q13.1.
Variant type: single nucleotide variant.
Coding change: c.5048A>T on transcript NM_000059.4 (MANE Select); coding-DNA position 5048, A replaced by T.
Protein change: p.Gln1683Leu; replaces glutamine 1683 with leucine.
Molecular consequence: missense variant.
Genome position (GRCh38, 1-based): chr13:32,339,403, A>T. VCF-style: chr13-32339403-A-T. GRCh37 (hg19) VCF-style: chr13-32913540-A-T.
Other names: short protein forms Q1683L.
Identifiers: ClinVar variation 142814 (VCV000142814.20), dbSNP rs587782738, ClinGen allele CA021181.